The following is an entry in ClinVar:

ClinVar aggregate classification (germline): Uncertain significance (1 of 4 stars; one submission).

gnomAD v4.1: 1 of 1,593,760 alleles (0.000063%); highest among the groups gnomAD compares: Admixed American, 0.0017%; no homozygotes.

Submission:

Women's Health and Genetics/Laboratory Corporation of America, LabCorp
Classification: Uncertain significance. Last evaluated: 2024-06-28. Review status: criteria provided, single submitter. Criteria: LabCorp Variant Classification Summary - May 2015. Collection method: clinical testing. Allele origin: germline.
Comment: Variant summary: ANKRD11 c.6046C>A (p.Pro2016Thr) results in a non-conservative amino acid change in the encoded protein sequence. Three of five in-silico tools predict a benign effect of the variant on protein function. The frequency data for this variant in gnomAD is considered unreliable, as metrics indicate poor data quality at this position. To our knowledge, no occurrence of c.6046C>A in individuals affected with KBG Syndrome and no experimental evidence demonstrating its impact on protein function have been reported. No submitters have cited clinical-significance assessments for this variant to ClinVar. Based on the evidence outlined above, the variant was classified as uncertain significance.

NM_013275.6(ANKRD11):c.6046C>A (p.Pro2016Thr)

Gene: ANKRD11 (ankyrin repeat domain containing 11; minus strand). Cytogenetic location: 16q24.3.
Variant type: single nucleotide variant.
Coding change: c.6046C>A on transcript NM_013275.6 (MANE Select); coding-DNA position 6046, C replaced by A.
Protein change: p.Pro2016Thr; replaces proline 2016 with threonine.
Molecular consequence: missense variant.
Genome position (GRCh38, 1-based): chr16:89,280,496, G>T on the plus strand (C>A on the coding strand, the complement: ANKRD11 is on the minus strand). VCF-style: chr16-89280496-G-T. GRCh37 (hg19) VCF-style: chr16-89346904-G-T.
Other names: c.6046C>A, p.Pro2016Thr (NM_001256182.2, NM_001256183.2); short protein forms P2016T.
Identifiers: ClinVar variation 3339959 (VCV003339959.1).